The following is an entry in ClinVar:

ClinVar aggregate classification (germline): Uncertain significance (1 of 4 stars; one submission).

Conditions:
Norman-Roberts syndrome (LIS2). Also called: Lissencephaly 2 (Norman-Roberts type). Identifiers: Orphanet 89844, MedGen C0796089, MONDO:0009760, OMIM 257320.
Familial temporal lobe epilepsy 7. Identifiers: Orphanet 101046, MedGen C4225327, MONDO:0014639, OMIM 616436.

Submission:

Labcorp Genetics (formerly Invitae), Labcorp
Classification: Uncertain significance for Familial temporal lobe epilepsy 7; Norman-Roberts syndrome. Last evaluated: 2025-09-16. Review status: criteria provided, single submitter. Criteria: Invitae Variant Classification Sherloc (09022015). Collection method: clinical testing. Allele origin: germline.
Comment: This sequence change replaces valine, which is neutral and non-polar, with alanine, which is neutral and non-polar, at codon 1752 of the RELN protein (p.Val1752Ala). This variant is not present in population databases (gnomAD no frequency). This variant has not been reported in the literature in individuals affected with RELN-related conditions. ClinVar contains an entry for this variant (Variation ID: 934746). Invitae Evidence Modeling of protein sequence and biophysical properties (such as structural, functional, and spatial information, amino acid conservation, physicochemical variation, residue mobility, and thermodynamic stability) indicates that this missense variant is not expected to disrupt RELN protein function with a negative predictive value of 80%. In summary, the available evidence is currently insufficient to determine the role of this variant in disease. Therefore, it has been classified as a Variant of Uncertain Significance.

NM_005045.4(RELN):c.5255T>C (p.Val1752Ala)

Gene: RELN (reelin; minus strand). Cytogenetic location: 7q22.1.
Variant type: single nucleotide variant.
Coding change: c.5255T>C on transcript NM_005045.4 (MANE Select); coding-DNA position 5255, T replaced by C.
Protein change: p.Val1752Ala; replaces valine 1752 with alanine.
Molecular consequence: missense variant.
Genome position (GRCh38, 1-based): chr7:103,561,909, A>G on the plus strand (T>C on the coding strand, the complement: RELN is on the minus strand). VCF-style: chr7-103561909-A-G. GRCh37 (hg19) VCF-style: chr7-103202356-A-G.
Other names: c.5255T>C, p.Val1752Ala (NM_173054.3); short protein forms V1752A.
Identifiers: ClinVar variation 934746 (VCV000934746.9), dbSNP rs1165004470, ClinGen allele CA368744538.
Genomic context (GRCh38, chr7:103,561,909, plus strand): 5'-CACATCCAAGGGCACCCTGAGGCCAGTACAACATTATCAATCGCCCAGGAATCAGCCCCC[A>G]CAGTGTAGTTGGCCTGAATCCATCTGAACCGGGTCCTGGGAGAACTAACCAAAAAAAAAA-3'
Protein context (NP_005036.2, residues 1742-1762): RFRWIQANYT[Val1752Ala]GADSWAIDNV